The following is an entry in ClinVar:

ClinVar aggregate classification (germline): Uncertain significance (1 of 4 stars; one submission).

Submission:

Labcorp Genetics (formerly Invitae), Labcorp
Classification: Uncertain significance. Last evaluated: 2022-08-19. Review status: criteria provided, single submitter. Criteria: Invitae Variant Classification Sherloc (09022015). Collection method: clinical testing. Allele origin: germline.
Comment: This sequence change affects codon 678 of the P3H2 mRNA. It is a 'silent' change, meaning that it does not change the encoded amino acid sequence of the P3H2 protein. This variant also falls at the last nucleotide of exon 14, which is part of the consensus splice site for this exon. This variant is not present in population databases (gnomAD no frequency). This variant has not been reported in the literature in individuals affected with P3H2-related conditions. Variants that disrupt the consensus splice site are a relatively common cause of aberrant splicing (PMID: 17576681, 9536098). Algorithms developed to predict the effect of sequence changes on RNA splicing suggest that this variant may disrupt the consensus splice site. In summary, the available evidence is currently insufficient to determine the role of this variant in disease. Therefore, it has been classified as a Variant of Uncertain Significance.

Literature cited by the submitters: PubMed 17576681; PubMed 9536098.

NM_018192.4(P3H2):c.2034G>A (p.Leu678=)

Gene: P3H2 (prolyl 3-hydroxylase 2; minus strand). Cytogenetic location: 3q28.
Variant type: single nucleotide variant.
Coding change: c.2034G>A on transcript NM_018192.4 (MANE Select); coding-DNA position 2034, G replaced by A.
Protein change: p.Leu678=; no amino-acid change (leucine 678 retained).
Molecular consequence: synonymous variant.
Genome position (GRCh38, 1-based): chr3:189,963,958, C>T on the plus strand (G>A on the coding strand, the complement: P3H2 is on the minus strand). VCF-style: chr3-189963958-C-T. GRCh37 (hg19) VCF-style: chr3-189681747-C-T.
Other names: c.1491G>A, p.Leu497= (NM_001134418.2).
Identifiers: ClinVar variation 1955996 (VCV001955996.5), dbSNP rs1722894834, ClinGen allele CA437412968.